The following is an entry in ClinVar:

NM_182961.4(SYNE1):c.7030-13T>A

Gene: SYNE1 (spectrin repeat containing nuclear envelope protein 1; minus strand). Cytogenetic location: 6q25.2.
Variant type: single nucleotide variant.
Coding change: c.7030-13T>A on transcript NM_182961.4 (MANE Select); 13 bases into the intron before coding-DNA position 7030, T replaced by A.
Molecular consequence: intron variant.
Genome position (GRCh38, 1-based): chr6:152,399,836, A>T on the plus strand (T>A on the coding strand, the complement: SYNE1 is on the minus strand). VCF-style: chr6-152399836-A-T. GRCh37 (hg19) VCF-style: chr6-152720971-A-T.
Other names: c.7051-13T>A (NM_033071.5).
Identifiers: ClinVar variation 511318 (VCV000511318.1), dbSNP rs1554626730, ClinGen allele CA658796852.

ClinVar aggregate classification (germline): Likely benign (1 of 4 stars; one submission).

Submission:

GeneDx
Classification: Likely benign. Last evaluated: 2017-08-04. Review status: criteria provided, single submitter. Criteria: GeneDx Variant Classification (06012015). Collection method: clinical testing. Allele origin: germline. Affected: yes.
Comment: This variant is considered likely benign or benign based on one or more of the following criteria: it is a conservative change, it occurs at a poorly conserved position in the protein, it is predicted to be benign by multiple in silico algorithms, and/or has population frequency not consistent with disease.